The following is an entry in ClinVar:

NM_000222.3(KIT):c.222G>A (p.Thr74=)

Gene: KIT (KIT proto-oncogene, receptor tyrosine kinase; plus strand). Cytogenetic location: 4q12.
Variant type: single nucleotide variant.
Coding change: c.222G>A on transcript NM_000222.3 (MANE Select); coding-DNA position 222, G replaced by A.
Protein change: p.Thr74=; no amino-acid change (threonine 74 retained).
Molecular consequence: synonymous variant.
Genome position (GRCh38, 1-based): chr4:54,695,666, G>A. VCF-style: chr4-54695666-G-A. GRCh37 (hg19) VCF-style: chr4-55561832-G-A.
Other names: c.222G>A, p.Thr74= (NM_001093772.2, NM_001385284.1, NM_001385285.1 and 4 more transcripts).
Identifiers: ClinVar variation 415785 (VCV000415785.15), dbSNP rs762453840, ClinGen allele CA2923190.

ClinVar aggregate classification (germline): Benign/Likely benign. Review status: criteria provided, multiple submitters, no conflicts (2 of 4 stars). 3 submissions from 3 submitters: Benign (1); Likely benign (2). Last evaluated 2026-06-02.

Conditions:
Gastrointestinal stromal tumor. Also called: Gastrointestinal stroma tumor; Gastrointestinal stromal tumor, somatic. Identifiers: Orphanet 44890, MedGen C0238198, MeSH D046152, MONDO:0011719, OMIM 606764, HP:0100723.
Hereditary cancer-predisposing syndrome. Also called: Neoplastic Syndromes, Hereditary; Hereditary Cancer Syndrome; Hereditary neoplastic syndrome; Tumor predisposition. Identifiers: Orphanet 140162, MedGen C0027672, MeSH D009386, MONDO:0015356.

Allele frequency attached by ClinVar (database versions not stated): gnomAD 0.00001; gnomAD exomes 0.00003 and 0.00008; ExAC 0.00007.
gnomAD v4.1: 44 of 1,614,096 alleles (0.0027%); highest among the groups gnomAD compares: Admixed American, 0.042%; no homozygotes.

Submissions (3):

Myriad Genetics, Inc.
Classification: Benign for Gastrointestinal stromal tumor. Last evaluated: 2026-06-02. Review status: criteria provided, single submitter. Criteria: Myriad Autosomal Dominant, Autosomal Recessive and X-Linked Classification Criteria (2023). Collection method: clinical testing. Allele origin: unknown.
Comment: This variant is considered benign. This variant is a silent/synonymous amino acid change and it is not expected to impact splicing.

Labcorp Genetics (formerly Invitae), Labcorp
Classification: Likely benign for Gastrointestinal stromal tumor. Last evaluated: 2026-02-01. Review status: criteria provided, single submitter. Criteria: Invitae Variant Classification Sherloc (09022015). Collection method: clinical testing. Allele origin: germline.

Ambry Genetics
Classification: Likely benign for Hereditary cancer-predisposing syndrome. Last evaluated: 2022-03-19. Review status: criteria provided, single submitter. Criteria: Ambry Variant Classification Scheme 2023. Collection method: clinical testing. Allele origin: germline.